The following is an entry in ClinVar:

NM_000186.4(CFH):c.1418C>G (p.Ala473Gly)

Gene: CFH (complement factor H; plus strand). Cytogenetic location: 1q31.3.
Variant type: single nucleotide variant.
Coding change: c.1418C>G on transcript NM_000186.4 (MANE Select); coding-DNA position 1418, C replaced by G.
Protein change: p.Ala473Gly; replaces alanine 473 with glycine.
Molecular consequence: missense variant.
Genome position (GRCh38, 1-based): chr1:196,713,816, C>G. VCF-style: chr1-196713816-C-G. GRCh37 (hg19) VCF-style: chr1-196682946-C-G.
Other names: short protein forms A473G.
Identifiers: ClinVar variation 1717018 (VCV001717018.5), dbSNP rs371053403, ClinGen allele CA343981934.

ClinVar aggregate classification (germline): Uncertain significance (1 of 4 stars; one submission).

Submission:

Labcorp Genetics (formerly Invitae), Labcorp
Classification: Uncertain significance. Last evaluated: 2022-08-20. Review status: criteria provided, single submitter. Criteria: Invitae Variant Classification Sherloc (09022015). Collection method: clinical testing. Allele origin: germline.
Comment: This sequence change replaces alanine, which is neutral and non-polar, with glycine, which is neutral and non-polar, at codon 473 of the CFH protein (p.Ala473Gly). This variant is not present in population databases (gnomAD no frequency). This variant has not been reported in the literature in individuals affected with CFH-related conditions. Algorithms developed to predict the effect of missense changes on protein structure and function are either unavailable or do not agree on the potential impact of this missense change (SIFT: "Deleterious"; PolyPhen-2: "Benign"; Align-GVGD: "Class C0"). In summary, the available evidence is currently insufficient to determine the role of this variant in disease. Therefore, it has been classified as a Variant of Uncertain Significance.